The following is an entry in ClinVar:

ClinVar aggregate classification (germline): Uncertain significance. Review status: criteria provided, multiple submitters, no conflicts (2 of 4 stars). 2 submissions from 2 submitters: Uncertain significance (2). Last evaluated 2023-10-13.

Conditions:
Autosomal recessive cerebellar ataxia-saccadic intrusion syndrome. Also called: VPS13D Movement Disorder; SPINOCEREBELLAR ATAXIA 24. Identifiers: Orphanet 95434, MedGen C1846492, MONDO:0011811, OMIM 607317.

gnomAD v4.1: 8 of 1,614,156 alleles (0.0005%); highest among the groups gnomAD compares: East Asian, 0.0022%; no homozygotes.

Submissions (2):

Labcorp Genetics (formerly Invitae), Labcorp
Classification: Uncertain significance. Last evaluated: 2023-10-13. Review status: criteria provided, single submitter. Criteria: Invitae Variant Classification Sherloc (09022015). Collection method: clinical testing. Allele origin: germline.
Comment: This sequence change replaces tyrosine, which is neutral and polar, with cysteine, which is neutral and slightly polar, at codon 2322 of the VPS13D protein (p.Tyr2322Cys). This variant is present in population databases (no rsID available, gnomAD 0.007%). This variant has not been reported in the literature in individuals affected with VPS13D-related conditions. ClinVar contains an entry for this variant (Variation ID: 1905449). Advanced modeling of protein sequence and biophysical properties (such as structural, functional, and spatial information, amino acid conservation, physicochemical variation, residue mobility, and thermodynamic stability) has been performed at Invitae for this missense variant, however the output from this modeling did not meet the statistical confidence thresholds required to predict the impact of this variant on VPS13D protein function. In summary, the available evidence is currently insufficient to determine the role of this variant in disease. Therefore, it has been classified as a Variant of Uncertain Significance.

Baylor Genetics
Classification: Uncertain significance for Autosomal recessive cerebellar ataxia-saccadic intrusion syndrome. Last evaluated: 2021-03-04. Review status: criteria provided, single submitter. Criteria: ACMG Guidelines, 2015. Collection method: clinical testing. Allele origin: unknown.

NM_015378.4(VPS13D):c.6965A>G (p.Tyr2322Cys)

Gene: VPS13D (vacuolar protein sorting 13 homolog D; plus strand). Cytogenetic location: 1p36.22.
Variant type: single nucleotide variant.
Coding change: c.6965A>G on transcript NM_015378.4 (MANE Select); coding-DNA position 6965, A replaced by G.
Protein change: p.Tyr2322Cys; replaces tyrosine 2322 with cysteine.
Molecular consequence: missense variant.
Genome position (GRCh38, 1-based): chr1:12,314,144, A>G. VCF-style: chr1-12314144-A-G. GRCh37 (hg19) VCF-style: chr1-12374201-A-G.
Other names: c.6965A>G, p.Tyr2322Cys (NM_018156.4); short protein forms Y2322C.
Identifiers: ClinVar variation 1905449 (VCV001905449.6), dbSNP rs375423409, ClinGen allele CA338492864.
Genomic context (GRCh38, chr1:12,314,144, plus strand): 5'-CATCTTGCTTGCTTTCTTTTCTCTCTTTTAGATTTGACTTCAAGAAATGCAAACTGCTCT[A>G]TGAAAGTTTTTCCAACCAAACCAAGTCCATTAACTTGGTTTCCCATTCCATGATGGCTTT-3'
Protein context (NP_056193.2, residues 2312-2332): RFDFKKCKLL[Tyr2322Cys]ESFSNQTKSI